The following is an entry in ClinVar:

NM_001077365.2(POMT1):c.620G>A (p.Gly207Asp)

Gene: POMT1 (protein O-mannosyltransferase 1; plus strand). Cytogenetic location: 9q34.13.
Variant type: single nucleotide variant.
Coding change: c.620G>A on transcript NM_001077365.2 (MANE Select); coding-DNA position 620, G replaced by A.
Protein change: p.Gly207Asp; replaces glycine 207 with aspartic acid.
Molecular consequence: missense variant. On other transcripts: non-coding transcript variant (10).
Genome position (GRCh38, 1-based): chr9:131,509,917, G>A. VCF-style: chr9-131509917-G-A. GRCh37 (hg19) VCF-style: chr9-134385304-G-A.
Other names: c.620G>A (NM_007171.3); c.458G>A, p.Gly153Asp (NM_001077366.2, NM_001353194.2, NM_001353197.2 and 3 more transcripts); c.620G>A, p.Gly207Asp (NM_001136113.2, NM_001353193.2, NM_001374690.1 and 1 more transcripts); c.269G>A, p.Gly90Asp (NM_001136114.2, NM_001353195.2, NM_001353199.2 and 2 more transcripts); c.530G>A, p.Gly177Asp (NM_001353196.2); c.164G>A, p.Gly55Asp (NM_001353200.2, NM_001374695.1); short protein forms G207D, G55D, G153D, G90D, G177D.
Identifiers: ClinVar variation 595812 (VCV000595812.11), dbSNP rs765733801, ClinGen allele CA5293356.
Genomic context (GRCh38, chr9:131,509,917, plus strand): 5'-TGTTTTCCTGTCTCATGTTAACTCCATTTCTGTCATGTCTTTGCAGCATCAAGTACATGG[G>A]TGTGTTCACGTACGTGCTCGTGCTGGGTGTTGCAGCTGTCCATGCCTGGCACCTGCTTGG-3'
Protein context (NP_001070833.1, residues 197-217): CSCAVGIKYM[Gly207Asp]VFTYVLVLGV

ClinVar aggregate classification (germline): Uncertain significance. Review status: criteria provided, multiple submitters, no conflicts (2 of 4 stars). 3 submissions from 3 submitters: Uncertain significance (3). Last evaluated 2025-08-12.

Conditions:
Muscular dystrophy-dystroglycanopathy (congenital with impaired intellectual development), type B, 1. Also called: Muscular dystrophy-dystroglycanopathy (congenital with intellectual disability), type B1; MUSCULAR DYSTROPHY, CONGENITAL, POMT1-RELATED. Identifiers: MedGen C5436962, MONDO:0013159, OMIM 613155.
Autosomal recessive limb-girdle muscular dystrophy type 2K. Also called: MUSCULAR DYSTROPHY-DYSTROGLYCANOPATHY (LIMB-GIRDLE), TYPE C, 1; MUSCULAR DYSTROPHY, LIMB-GIRDLE, TYPE 2K. Identifiers: Orphanet 86812, MedGen C1836373, MONDO:0012248, OMIM 609308.
Walker-Warburg congenital muscular dystrophy. Also called: Muscular dystrophy-dystroglycanopathy, type A; Walker-Warburg syndrome. Identifiers: Orphanet 899, MedGen C0265221, MONDO:0000171.
Inborn genetic diseases. Identifiers: MedGen C0950123, MeSH D030342.

Allele frequency attached by ClinVar (database versions not stated): ExAC 0.00002; TOPMed 0.00002; gnomAD 0.00004; gnomAD exomes 0.00007 and 0.00001.
gnomAD v4.1: 111 of 1,614,082 alleles (0.0069%); highest among the groups gnomAD compares: Non-Finnish European, 0.0091%; no homozygotes.

Submissions (3):

Ambry Genetics
Classification: Uncertain significance for Inborn genetic diseases. Last evaluated: 2025-08-12. Review status: criteria provided, single submitter. Criteria: Ambry Variant Classification Scheme 2023. Collection method: clinical testing. Allele origin: germline.

Labcorp Genetics (formerly Invitae), Labcorp
Classification: Uncertain significance for Muscular dystrophy-dystroglycanopathy (congenital with impaired intellectual development), type B, 1; Walker-Warburg congenital muscular dystrophy; Autosomal recessive limb-girdle muscular dystrophy type 2K. Last evaluated: 2022-10-04. Review status: criteria provided, single submitter. Criteria: Invitae Variant Classification Sherloc (09022015). Collection method: clinical testing. Allele origin: germline.
Comment: This sequence change replaces glycine, which is neutral and non-polar, with aspartic acid, which is acidic and polar, at codon 207 of the POMT1 protein (p.Gly207Asp). This variant is present in population databases (rs765733801, gnomAD 0.002%). This variant has not been reported in the literature in individuals affected with POMT1-related conditions. ClinVar contains an entry for this variant (Variation ID: 595812). Advanced modeling of protein sequence and biophysical properties (such as structural, functional, and spatial information, amino acid conservation, physicochemical variation, residue mobility, and thermodynamic stability) performed at Invitae indicates that this missense variant is expected to disrupt POMT1 protein function. In summary, the available evidence is currently insufficient to determine the role of this variant in disease. Therefore, it has been classified as a Variant of Uncertain Significance.

Eurofins Ntd Llc (ga)
Classification: Uncertain significance. Last evaluated: 2018-01-25. Review status: criteria provided, single submitter. Criteria: EGL Classification Definitions 2015. Collection method: clinical testing. Allele origin: germline. Observed: 1 variant allele, 1 heterozygote.